The following is an entry in ClinVar:

NM_181882.3(PRX):c.4215_4216del (p.Lys1406fs)

Gene: PRX (periaxin; minus strand). Cytogenetic location: 19q13.2.
Variant type: Microsatellite.
Coding change: c.4215_4216del on transcript NM_181882.3 (MANE Select); coding-DNA positions 4215 to 4216, 2 bases deleted (GA; older notation c.4215_4216delGA).
Protein change: p.Lys1406fs; shifts the reading frame from lysine 1406.
Molecular consequence: frameshift variant. On other transcripts: 3 prime UTR variant (1).
Genome position (GRCh38, 1-based): chr19:40,394,136-40,394,137, TC deleted on the plus strand (GA on the coding strand, the reverse complement: PRX is on the minus strand); deleting any 2 consecutive bases within chr19:40,394,136-40,394,142 gives the same sequence; the c. name uses the placement nearest the transcript's 3' end. VCF-style (leftmost placement, unchanged base first): chr19-40394135-TTC-T. GRCh37 (hg19) VCF-style: chr19-40900042-TTC-T.
Other names: c.4500_4501del, p.Lys1501fs (NM_001411127.1); c.*4416GA[2] (NM_020956.2); c.4210_4211AG[2], p.Lys1406Valfs (NM_181882.2); c.4215_4216del (NM_181882.2); short protein forms K1406fs, K1501fs.
Identifiers: ClinVar variation 4682193 (VCV004682193.1).

ClinVar aggregate classification (germline): Uncertain significance (1 of 4 stars; one submission).

Submission:

Athena Diagnostics
Classification: Uncertain significance. Last evaluated: 2025-01-30. Review status: criteria provided, single submitter. Criteria: Athena Diagnostics Criteria. Collection method: clinical testing. Allele origin: unknown.
Comment: Available data are insufficient to determine the clinical significance of the variant at this time. This variant has not been reported in large, multi-ethnic general populations. This variant is expected to extend the open reading frame, and is therefore not expected to cause loss of protein expression through nonsense-mediated decay. However, it is unclear if protein function will be affected.